The following is an entry in ClinVar:

ClinVar aggregate classification (germline): Uncertain significance. Review status: criteria provided, multiple submitters, no conflicts (2 of 4 stars). 2 submissions from 2 submitters: Uncertain significance (2). Last evaluated 2024-07-10.

Conditions:
Hereditary cancer-predisposing syndrome. Also called: Neoplastic Syndromes, Hereditary; Tumor predisposition; Hereditary Cancer Syndrome; Hereditary neoplastic syndrome. Identifiers: Orphanet 140162, MedGen C0027672, MeSH D009386, MONDO:0015356.
Familial cancer of breast. Also called: BREAST CANCER, FAMILIAL; Hereditary breast cancer; hereditary breast carcinoma. Identifiers: Orphanet 227535, MedGen C0346153, MONDO:0016419, OMIM 114480. Disease mechanism: loss of function.

Submissions (2):

Labcorp Genetics (formerly Invitae), Labcorp
Classification: Uncertain significance for Familial cancer of breast. Last evaluated: 2024-07-10. Review status: criteria provided, single submitter. Criteria: Invitae Variant Classification Sherloc (09022015). Collection method: clinical testing. Allele origin: germline.
Comment: This sequence change replaces glutamic acid, which is acidic and polar, with alanine, which is neutral and non-polar, at codon 225 of the BARD1 protein (p.Glu225Ala). This variant is not present in population databases (gnomAD no frequency). This variant has not been reported in the literature in individuals affected with BARD1-related conditions. ClinVar contains an entry for this variant (Variation ID: 482828). An algorithm developed to predict the effect of missense changes on protein structure and function (PolyPhen-2) suggests that this variant is likely to be tolerated. In summary, the available evidence is currently insufficient to determine the role of this variant in disease. Therefore, it has been classified as a Variant of Uncertain Significance.

Ambry Genetics
Classification: Uncertain significance for Hereditary cancer-predisposing syndrome. Last evaluated: 2017-06-14. Review status: criteria provided, single submitter. Criteria: Ambry Variant Classification Scheme 2023. Collection method: clinical testing. Allele origin: germline.
Comment: The p.E225A variant (also known as c.674A>C), located in coding exon 4 of the BARD1 gene, results from an A to C substitution at nucleotide position 674. The glutamic acid at codon 225 is replaced by alanine, an amino acid with dissimilar properties. This amino acid position is not well conserved in available vertebrate species. In addition, this alteration is predicted to be tolerated by in silico analysis. Since supporting evidence is limited at this time, the clinical significance of this alteration remains unclear.

NM_000465.4(BARD1):c.674A>C (p.Glu225Ala)

Gene: BARD1 (BRCA1 associated RING domain 1; minus strand). Cytogenetic location: 2q35.
Variant type: single nucleotide variant.
Coding change: c.674A>C on transcript NM_000465.4 (MANE Select); coding-DNA position 674, A replaced by C.
Protein change: p.Glu225Ala; replaces glutamic acid 225 with alanine.
Molecular consequence: missense variant. On other transcripts: non-coding transcript variant (2), intron variant (3).
Genome position (GRCh38, 1-based): chr2:214,781,200, T>G on the plus strand (A>C on the coding strand, the complement: BARD1 is on the minus strand). VCF-style: chr2-214781200-T-G. GRCh37 (hg19) VCF-style: chr2-215645924-T-G.
Other names: c.617A>C, p.Glu206Ala (NM_001282543.2); c.158+28212A>C (NM_001282548.2); c.215+15861A>C (NM_001282545.2); c.364+11097A>C (NM_001282549.2); short protein forms E225A, E206A.
Identifiers: ClinVar variation 482828 (VCV000482828.14), dbSNP rs769611057, ClinGen allele CA350456475.